The following is an entry in ClinVar:

ClinVar aggregate classification (germline): Uncertain significance (1 of 4 stars; one submission).

Submission:

GeneDx
Classification: Uncertain significance. Last evaluated: 2026-04-10. Review status: criteria provided, single submitter. Criteria: GeneDx Variant Classification Process June 2021. Collection method: clinical testing. Allele origin: germline.
Comment: Not observed at significant frequency in large population cohorts (gnomAD); In silico analysis supports that this missense variant has a deleterious effect on protein structure/function; Has not been previously published as pathogenic or benign to our knowledge.

NM_144687.4(NLRP12):c.32G>C (p.Cys11Ser)

Gene: NLRP12 (NLR family pyrin domain containing 12; minus strand). Cytogenetic location: 19q13.42.
Variant type: single nucleotide variant.
Coding change: c.32G>C on transcript NM_144687.4 (MANE Select); coding-DNA position 32, G replaced by C.
Protein change: p.Cys11Ser; replaces cysteine 11 with serine.
Molecular consequence: missense variant.
Genome position (GRCh38, 1-based): chr19:53,824,143, C>G on the plus strand (G>C on the coding strand, the complement: NLRP12 is on the minus strand). VCF-style: chr19-53824143-C-G. GRCh37 (hg19) VCF-style: chr19-54327397-C-G.
Other names: c.32G>C, p.Cys11Ser (NM_001277126.2, NM_001277129.1); short protein forms C11S.
Identifiers: ClinVar variation 5018248 (VCV005018248.1).